The following is an entry in ClinVar:

ClinVar aggregate classification (germline): Uncertain significance (1 of 4 stars; one submission).

Submission:

GeneDx
Classification: Uncertain significance. Last evaluated: 2026-04-12. Review status: criteria provided, single submitter. Criteria: GeneDx Variant Classification Process June 2021. Collection method: clinical testing. Allele origin: germline.
Comment: Not observed at significant frequency in large population cohorts (gnomAD); In silico analysis supports that this missense variant has a deleterious effect on protein structure/function; Has not been previously published as pathogenic or benign to our knowledge

NM_003070.5(SMARCA2):c.2384G>C (p.Trp795Ser)

Gene: SMARCA2 (SWI/SNF related BAF chromatin remodeling complex subunit ATPase 2; plus strand). Cytogenetic location: 9p24.3.
Variant type: single nucleotide variant.
Coding change: c.2384G>C on transcript NM_003070.5 (MANE Select); coding-DNA position 2384, G replaced by C.
Protein change: p.Trp795Ser; replaces tryptophan 795 with serine.
Molecular consequence: missense variant.
Genome position (GRCh38, 1-based): chr9:2,083,382, G>C. VCF-style: chr9-2083382-G-C. GRCh37 (hg19) VCF-style: chr9-2083382-G-C.
Other names: c.2384G>C, p.Trp795Ser (NM_001289396.2, NM_001289397.2, NM_139045.4); short protein forms W795S.
Identifiers: ClinVar variation 5037012 (VCV005037012.1).
Genomic context (GRCh38, chr9:2,083,382, plus strand): 5'-GTTGTTTTTTTTTTTTGTTCCATAGGACTCTATCTAACTGGACATATGAATTTGACAAAT[G>C]GGCTCCTTCTGTGGTGAAGATTTCTTACAAGGTTTGGAATGCTGTATTTATATATAAATG-3'
Protein context (NP_003061.3, residues 785-805): LSNWTYEFDK[Trp795Ser]APSVVKISYK